The following is an entry in ClinVar:

ClinVar aggregate classification (germline): Uncertain significance (1 of 4 stars; one submission).

Conditions:
Inborn genetic diseases. Identifiers: MedGen C0950123, MeSH D030342.

gnomAD v4.1: 2 of 1,614,016 alleles (0.00012%); highest among the groups gnomAD compares: Middle Eastern, 0.017%; no homozygotes.

Submission:

Ambry Genetics
Classification: Uncertain significance for Inborn genetic diseases. Last evaluated: 2025-10-28. Review status: criteria provided, single submitter. Criteria: Ambry Variant Classification Scheme 2023. Collection method: clinical testing. Allele origin: germline.
Comment: The p.V460I variant (also known as c.1378G>A), located in coding exon 1 of the SAMD9 gene, results from a G to A substitution at nucleotide position 1378. The valine at codon 460 is replaced by isoleucine, an amino acid with highly similar properties. This amino acid position is conserved. In addition, this alteration is predicted to be tolerated by in silico analysis. Based on the available evidence, the clinical significance of this variant remains unclear.

NM_017654.4(SAMD9):c.1378G>A (p.Val460Ile)

Gene: SAMD9 (sterile alpha motif domain containing 9; minus strand). Cytogenetic location: 7q21.2.
Variant type: single nucleotide variant.
Coding change: c.1378G>A on transcript NM_017654.4 (MANE Select); coding-DNA position 1378, G replaced by A.
Protein change: p.Val460Ile; replaces valine 460 with isoleucine.
Molecular consequence: missense variant.
Genome position (GRCh38, 1-based): chr7:93,104,720, C>T on the plus strand (G>A on the coding strand, the complement: SAMD9 is on the minus strand). VCF-style: chr7-93104720-C-T. GRCh37 (hg19) VCF-style: chr7-92734033-C-T.
Other names: c.1378G>A, p.Val460Ile (NM_001193307.2); short protein forms V460I.
Identifiers: ClinVar variation 4629908 (VCV004629908.1).